The following is an entry in ClinVar:

ClinVar aggregate classification (germline): Conflicting classifications of pathogenicity. Review status: criteria provided, conflicting classifications (1 of 4 stars). 5 submissions from 5 submitters: Uncertain significance (3); Benign (1); Likely benign (1). Last evaluated 2025-08-31.

Conditions:
Pitt-Hopkins-like syndrome 2 (PTHSL2). Identifiers: Orphanet 221150, Orphanet 600663, MedGen C3280479, MONDO:0013690, OMIM 614325.
Chromosome 2p16.3 deletion syndrome. Identifiers: MedGen C3808494, MONDO:0013696, OMIM 614332.
Inborn genetic diseases. Identifiers: MedGen C0950123, MeSH D030342.

Allele frequency attached by ClinVar (database versions not stated): gnomAD 0.00003 and 0.00007; TOPMed 0.00005; gnomAD exomes 0.00013 and 0.00019; 1000 Genomes Project 30x 0.00016; 1000 Genomes Project 0.00020; ExAC 0.00023.
gnomAD v4.1: 277 of 1,603,114 alleles (0.017%); highest among the groups gnomAD compares: East Asian, 0.61%; 4 homozygotes.

Submissions (5):

Labcorp Genetics (formerly Invitae), Labcorp
Classification: Benign for Pitt-Hopkins-like syndrome 2. Last evaluated: 2025-08-31. Review status: criteria provided, single submitter. Criteria: Invitae Variant Classification Sherloc (09022015). Collection method: clinical testing. Allele origin: germline.

Ambry Genetics
Classification: Likely benign for Inborn genetic diseases. Last evaluated: 2018-10-15. Review status: criteria provided, single submitter. Criteria: Ambry Variant Classification Scheme 2023. Collection method: clinical testing. Allele origin: germline.

GeneDx
Classification: Uncertain significance. Last evaluated: 2018-02-22. Review status: criteria provided, single submitter. Criteria: GeneDx Variant Classification (06012015). Collection method: clinical testing. Allele origin: germline. Affected: yes.
Comment: A variant of uncertain significance has been identified in the NRXN1 gene. The c.600 C>T variant has not been published as a pathogenic variant, nor has it been reported as a benign variant to our knowledge. The c.600 C>T variant is observed in 28/17456 (0.2%) alleles from individuals of East Asian background, including 1 homozygous individual (Lek et al., 2016). Several in silico splice prediction models predict that c.600 C>T may create a new cryptic splice donor site in exon 2. However, in the absence of RNA/functional studies, the actual effect of c.600 C>T on splicing is unknown. Therefore, based on the currently available information, it is unclear whether this variant is a pathogenic variant or a rare benign variant.

Illumina Laboratory Services, Illumina
Classification: Uncertain significance for Pitt-Hopkins-like syndrome 2. Last evaluated: 2017-04-27. Review status: criteria provided, single submitter. Criteria: ICSL Variant Classification Criteria 13 December 2019. Collection method: clinical testing. Allele origin: germline.
Comment: This variant was observed as part of a predisposition screen in an ostensibly healthy population. A literature search was performed for the gene, cDNA change, and amino acid change (where applicable). Publications were found based on this search. However, the evidence from the literature, in combination with allele frequency data from public databases where available, was not sufficient to rule this variant in or out of causing disease. Therefore, this variant is classified as a variant of unknown significance.

Center for Genomics, Ann and Robert H. Lurie Children's Hospital of Chicago
Classification: Uncertain significance for Pitt-Hopkins-like syndrome 2; Chromosome 2p16.3 deletion syndrome. Review status: criteria provided, single submitter. Criteria: ACMG Guidelines, 2015. Collection method: clinical testing. Allele origin: germline.
Comment: NRXN1 NM_0011356569.1 exon 2 p.Gly200= (c.600C>T): This variant has not been reported in the literature but is present in 0.1% (28/17456) of East Asian alleles, including 1 homozygote in the Genome Aggregation Database. This variant is present in ClinVar (Variation ID:503668). Evolutionary conservation and computational predictive tools for this variant are limited or unavailable. This variant is a silent variant and does not change the amino acid, reducing the probability that this variant is disease causing. However, computational tools designed to predict splicing suggest a potential effect from this variant. Further studies are needed to understand its impact. In summary, data on this variant is insufficient for disease classification. Therefore, the clinical significance of this variant is uncertain

Literature cited by the submitters: PubMed 22405623 (cited by Ambry Genetics and Illumina Laboratory Services, Illumina).

NM_001330078.2(NRXN1):c.600C>T (p.Gly200=)

Gene: NRXN1 (neurexin 1; minus strand). Cytogenetic location: 2p16.3.
Variant type: single nucleotide variant.
Coding change: c.600C>T on transcript NM_001330078.2 (MANE Select); coding-DNA position 600, C replaced by T.
Protein change: p.Gly200=; no amino-acid change (glycine 200 retained).
Molecular consequence: synonymous variant.
Genome position (GRCh38, 1-based): chr2:51,027,674, G>A on the plus strand (C>T on the coding strand, the complement: NRXN1 is on the minus strand). VCF-style: chr2-51027674-G-A. GRCh37 (hg19) VCF-style: chr2-51254812-G-A.
Other names: c.600C>T, p.Gly200= (NM_001135659.3, NM_001330077.2, NM_001330079.2 and 15 more transcripts).
Identifiers: ClinVar variation 503668 (VCV000503668.23), dbSNP rs201481698, ClinGen allele CA1655452.